The following is an entry in ClinVar:

ClinVar aggregate classification (germline): Uncertain significance (1 of 4 stars; one submission).

Conditions:
Epilepsy, familial adult myoclonic, 5 (EPEO5). Also called: CORTICAL MYOCLONIC TREMOR WITH EPILEPSY, FAMILIAL, 5. Identifiers: Orphanet 86814, MedGen C3809374, MONDO:0014167, OMIM 615400.

Allele frequency attached by ClinVar (database versions not stated): gnomAD exomes below 0.00001 and 0.00001; ExAC 0.00001; gnomAD 0.00001; TOPMed 0.00002; 1000 Genomes Project 0.00020; 1000 Genomes Project 30x 0.00031.
gnomAD v4.1: 3 of 1,614,064 alleles (0.00019%); highest among the groups gnomAD compares: Admixed American, 0.0033%; no homozygotes.

Submission:

Labcorp Genetics (formerly Invitae), Labcorp
Classification: Uncertain significance for Epilepsy, familial adult myoclonic, 5. Last evaluated: 2022-06-13. Review status: criteria provided, single submitter. Criteria: Invitae Variant Classification Sherloc (09022015). Collection method: clinical testing. Allele origin: germline.
Comment: This sequence change replaces lysine, which is basic and polar, with asparagine, which is neutral and polar, at codon 223 of the CNTN2 protein (p.Lys223Asn). This variant is present in population databases (rs549298351, gnomAD 0.007%). This variant has not been reported in the literature in individuals affected with CNTN2-related conditions. Advanced modeling of protein sequence and biophysical properties (such as structural, functional, and spatial information, amino acid conservation, physicochemical variation, residue mobility, and thermodynamic stability) performed at Invitae indicates that this missense variant is not expected to disrupt CNTN2 protein function. In summary, the available evidence is currently insufficient to determine the role of this variant in disease. Therefore, it has been classified as a Variant of Uncertain Significance.

NM_005076.5(CNTN2):c.669G>C (p.Lys223Asn)

Gene: CNTN2 (contactin 2; plus strand). Cytogenetic location: 1q32.1.
Variant type: single nucleotide variant.
Coding change: c.669G>C on transcript NM_005076.5 (MANE Select); coding-DNA position 669, G replaced by C.
Protein change: p.Lys223Asn; replaces lysine 223 with asparagine.
Molecular consequence: missense variant. On other transcripts: non-coding transcript variant (1).
Genome position (GRCh38, 1-based): chr1:205,059,265, G>C. VCF-style: chr1-205059265-G-C. GRCh37 (hg19) VCF-style: chr1-205028393-G-C.
Other names: c.669G>C, p.Lys223Asn (NM_001346083.2); short protein forms K223N.
Identifiers: ClinVar variation 1400551 (VCV001400551.3), dbSNP rs549298351, ClinGen allele CA1351101.
Genomic context (GRCh38, chr1:205,059,265, plus strand): 5'-CAACTACTCCTGTTTGGCCACCAGCCACATGGACTTCTCCACCAAGAGCGTCTTCAGCAA[G>C]TTTGCTCAGCTCAACCTGGCTGCTGAAGGTCAGGCTTGGCCAGGCGTGGCTGGAGGGAGG-3'
Protein context (NP_005067.1, residues 213-233): MDFSTKSVFS[Lys223Asn]FAQLNLAAED